The following is an entry in ClinVar:

NM_173531.4(ZNF100):c.807A>T (p.Ala269=)

Gene: ZNF100 (zinc finger protein 100; minus strand). Cytogenetic location: 19p12.
Variant type: single nucleotide variant.
Coding change: c.807A>T on transcript NM_173531.4 (MANE Select); coding-DNA position 807, A replaced by T.
Protein change: p.Ala269=; no amino-acid change (alanine 269 retained).
Molecular consequence: synonymous variant.
Genome position (GRCh38, 1-based): chr19:21,727,505, T>A on the plus strand (A>T on the coding strand, the complement: ZNF100 is on the minus strand). VCF-style: chr19-21727505-T-A. GRCh37 (hg19) VCF-style: chr19-21910307-T-A.
Other names: c.804A>T, p.Ala268= (NM_001351669.2); c.708A>T, p.Ala236= (NM_001351670.2); c.504A>T, p.Ala168= (NM_001351671.2); c.162A>T, p.Ala54= (NM_001351672.2).
Identifiers: ClinVar variation 2649630 (VCV002649630.24), dbSNP rs776757503, ClinGen allele CA9340535.
Genomic context (GRCh38, chr19:21,727,505, plus strand): 5'-GTATGGTTTCTCTCCAGTATGAATTATCTTATGTGTAGTAAGGTGTGAGGACCGGTTAAA[T>A]GCTTTCCCACATTCTTCACATTTGTAGGGTTTCTCTCCAGTATGAATTCTCCTGTGTGTA-3'
Protein context (NP_775802.2, residues 259-279): KPYKCEECGK[Ala269=]FNRSSHLTTH

ClinVar aggregate classification (germline): Likely benign (1 of 4 stars; one submission).

Allele frequency attached by ClinVar (database versions not stated): ExAC 0.00004.

Submission:

CeGaT Center for Human Genetics Tuebingen
Classification: Likely benign. Last evaluated: 2026-08-01. Review status: criteria provided, single submitter. Criteria: CeGaT Center For Human Genetics Tuebingen Variant Classification Criteria Version 2. Collection method: clinical testing. Allele origin: germline. Affected: yes. Observed: 5 variant alleles.
Comment: ZNF100: BP4, BP7